The following is an entry in ClinVar:

ClinVar aggregate classification (germline): Uncertain significance (0 of 4 stars; one submission).

Conditions:
GNAS-related disorder. Identifiers: MedGen CN380105.

gnomAD v4.1: 31 of 1,599,910 alleles (0.0019%); highest among the groups gnomAD compares: Non-Finnish European, 0.0026%; no homozygotes.

Submission:

PreventionGenetics, part of Exact Sciences
Classification: Uncertain significance for GNAS-related condition. Last evaluated: 2024-05-15. Review status: no assertion criteria provided. Collection method: clinical testing. Allele origin: germline.
Comment: The GNAS c.1945C>T variant is predicted to result in the amino acid substitution p.Arg649Cys. This variant occurs in the pre-coding region of the primary GNAS transcript (NM_000516.7:c.-36517C>T). To our knowledge, this variant has not been reported in the literature. This variant is reported in 0.0010% of alleles in individuals of European (Non-Finnish) descent in gnomAD. At this time, the clinical significance of this variant is uncertain due to the absence of conclusive functional and genetic evidence.

NM_080425.4(GNAS):c.1945C>T (p.Arg649Cys)

Gene: GNAS (GNAS complex locus; plus strand). Cytogenetic location: 20q13.32.
Variant type: single nucleotide variant.
Coding change: c.1945C>T on transcript NM_080425.4 (MANE Plus Clinical); coding-DNA position 1945, C replaced by T.
Protein change: p.Arg649Cys; replaces arginine 649 with cysteine.
Molecular consequence: missense variant. On other transcripts: synonymous variant (2), intron variant (3).
Genome position (GRCh38, 1-based): chr20:58,855,210, C>T. VCF-style: chr20-58855210-C-T. GRCh37 (hg19) VCF-style: chr20-57430265-C-T.
Other names: c.1758C>T, p.Cys586= (NM_001077490.3, NM_001309883.1); c.1945C>T, p.Arg649Cys (NM_001410913.1); c.*42+14324C>T (NM_016592.5); c.43+14324C>T (NM_001410912.1); c.-39+13335C>T (NM_001309861.2); short protein forms R649C.
Identifiers: ClinVar variation 3351581 (VCV003351581.1).
Genomic context (GRCh38, chr20:58,855,210, plus strand): 5'-AAAGCCTCGCGCTCTCTCAAGGTCAAGAAGGTACCCCTGGCGGAGAAGCGCAGACAGATG[C>T]GCAAAGAAGCCCTGGAGAAGCGGGCCCAGAAGCGCGCAGAGAAGAAACGCAGTAAGCTCA-3'
Protein context (NP_536350.2, residues 639-659): VPLAEKRRQM[Arg649Cys]KEALEKRAQK